The following is an entry in ClinVar:

ClinVar aggregate classification (germline): Conflicting classifications of pathogenicity. Review status: criteria provided, conflicting classifications (1 of 4 stars). 2 submissions from 2 submitters: Uncertain significance (1); Likely benign (1). Last evaluated 2025-11-05.

gnomAD v4.1: 17 of 1,613,406 alleles (0.0011%); highest among the groups gnomAD compares: Admixed American, 0.0083%; no homozygotes.

Submissions (2):

Labcorp Genetics (formerly Invitae), Labcorp
Classification: Uncertain significance. Last evaluated: 2025-11-05. Review status: criteria provided, single submitter. Criteria: Invitae Variant Classification Sherloc (09022015). Collection method: clinical testing. Allele origin: germline.
Comment: This sequence change falls in intron 25 of the COL4A2 gene. It does not directly change the encoded amino acid sequence of the COL4A2 protein. This variant is present in population databases (rs541175335, gnomAD 0.02%). This variant has not been reported in the literature in individuals affected with COL4A2-related conditions. ClinVar contains an entry for this variant (Variation ID: 3627463). Algorithms developed to predict the effect of sequence changes on RNA splicing suggest that this variant may disrupt the consensus splice site. In summary, the available evidence is currently insufficient to determine the role of this variant in disease. Therefore, it has been classified as a Variant of Uncertain Significance.

Blueprint Genetics
Classification: Likely benign. Last evaluated: 2022-10-10. Review status: criteria provided, single submitter. Criteria: ACMG Guidelines, 2015. Collection method: clinical testing. Allele origin: germline.

NM_001846.4(COL4A2):c.1979-14T>C

Gene: COL4A2 (collagen type IV alpha 2 chain; plus strand). Cytogenetic location: 13q34.
Variant type: single nucleotide variant.
Coding change: c.1979-14T>C on transcript NM_001846.4 (MANE Select); 14 bases into the intron before coding-DNA position 1979, T replaced by C.
Molecular consequence: intron variant.
Genome position (GRCh38, 1-based): chr13:110,465,989, T>C. VCF-style: chr13-110465989-T-C. GRCh37 (hg19) VCF-style: chr13-111118336-T-C.
Identifiers: ClinVar variation 3627463 (VCV003627463.3).
Genomic context (GRCh38, chr13:110,465,989, plus strand): 5'-GCACGCCCCAGACGAGCCAGTAACTCTTATCTGTTTCAAAATTGCCTCACTCTGTCCTTA[T>C]GTCTTCCCCCCAGATTGTGACACAGATGTGAAAAGGGCCGTTGGAGGTGACAGACAGGAG-3'